The following is an entry in ClinVar:

NM_001128431.4(SLC39A14):c.1452G>T (p.Met484Ile)

Gene: SLC39A14 (solute carrier family 39 member 14; plus strand). Cytogenetic location: 8p21.3.
Variant type: single nucleotide variant.
Coding change: c.1452G>T on transcript NM_001128431.4 (MANE Select); coding-DNA position 1452, G replaced by T.
Protein change: p.Met484Ile; replaces methionine 484 with isoleucine.
Molecular consequence: missense variant. On other transcripts: intron variant (1).
Genome position (GRCh38, 1-based): chr8:22,419,671, G>T. VCF-style: chr8-22419671-G-T. GRCh37 (hg19) VCF-style: chr8-22277184-G-T.
Other names: p.Met484Ile; c.1452G>T, p.Met484Ile (NM_001135153.3, NM_001351655.2, NM_001351656.2 and 2 more transcripts); c.1482G>T, p.Met494Ile (NM_001351657.2, NM_001351658.2, NM_001351659.2); c.1332+1836G>T (NM_001135154.3); short protein forms M484I, M494I.
Identifiers: ClinVar variation 3379807 (VCV003379807.1).

ClinVar aggregate classification (germline): Uncertain significance (1 of 4 stars; one submission).

gnomAD v4.1: 4 of 1,613,668 alleles (0.00025%); highest among the groups gnomAD compares: Non-Finnish European, 0.00034%; no homozygotes.

Submission:

Mayo Clinic Laboratories, Mayo Clinic
Classification: Uncertain significance. Last evaluated: 2024-05-08. Review status: criteria provided, single submitter. Criteria: ACMG Guidelines, 2015. Collection method: clinical testing. Allele origin: germline. Observed: 1 variant allele.
Comment: BP4, PM2